The following is an entry in ClinVar:

ClinVar aggregate classification (germline): Uncertain significance (1 of 4 stars; one submission).

gnomAD v4.1: 2 of 1,613,116 alleles (0.00012%); highest among the groups gnomAD compares: Non-Finnish European, 0.00017%; no homozygotes.

Submission:

Labcorp Genetics (formerly Invitae), Labcorp
Classification: Uncertain significance. Last evaluated: 2024-02-25. Review status: criteria provided, single submitter. Criteria: Invitae Variant Classification Sherloc (09022015). Collection method: clinical testing. Allele origin: germline.
Comment: This sequence change replaces histidine, which is basic and polar, with aspartic acid, which is acidic and polar, at codon 2481 of the HSPG2 protein (p.His2481Asp). This variant is present in population databases (rs769878615, gnomAD 0.0009%). This variant has not been reported in the literature in individuals affected with HSPG2-related conditions. An algorithm developed to predict the effect of missense changes on protein structure and function (PolyPhen-2) suggests that this variant is likely to be disruptive. In summary, the available evidence is currently insufficient to determine the role of this variant in disease. Therefore, it has been classified as a Variant of Uncertain Significance.

NM_005529.7(HSPG2):c.7441C>G (p.His2481Asp)

Gene: HSPG2 (heparan sulfate proteoglycan 2; minus strand). Cytogenetic location: 1p36.12.
Variant type: single nucleotide variant.
Coding change: c.7441C>G on transcript NM_005529.7 (MANE Select); coding-DNA position 7441, C replaced by G.
Protein change: p.His2481Asp; replaces histidine 2481 with aspartic acid.
Molecular consequence: missense variant.
Genome position (GRCh38, 1-based): chr1:21,850,046, G>C on the plus strand (C>G on the coding strand, the complement: HSPG2 is on the minus strand). VCF-style: chr1-21850046-G-C. GRCh37 (hg19) VCF-style: chr1-22176539-G-C.
Other names: c.7444C>G, p.His2482Asp (NM_001291860.2); short protein forms H2481D, H2482D.
Identifiers: ClinVar variation 3718249 (VCV003718249.2).
Genomic context (GRCh38, chr1:21,850,046, plus strand): 5'-GCTCTTGTACTGCAGCTACAGGGTCCTTCAGGCTTCCTGAGCTCCTGCCTCCTACCTGGT[G>C]CCGGGCCGGGAGGCTGCCCCCGCGCTTGTGCCACGTGACCTGGGCATGGGCCTGACCAGC-3'
Protein context (NP_005520.4, residues 2471-2491): HKRGGSLPAR[His2481Asp]QVHGSRLRLL